The following is an entry in ClinVar:

NM_012062.5(DNM1L):c.101A>G (p.Gln34Arg)

Genes: DNM1L (dynamin 1L; plus strand), LOC130007663 (ATAC-STARR-seq lymphoblastoid silent region 4339; plus strand). Cytogenetic location: 12p11.21.
Variant type: single nucleotide variant.
Coding change: c.101A>G on transcript NM_012062.5 (MANE Select); coding-DNA position 101, A replaced by G.
Protein change: p.Gln34Arg; replaces glutamine 34 with arginine.
Molecular consequence: missense variant. On other transcripts: 5 prime UTR variant (1).
Genome position (GRCh38, 1-based): chr12:32,679,464, A>G. VCF-style: chr12-32679464-A-G. GRCh37 (hg19) VCF-style: chr12-32832398-A-G.
Other names: c.101A>G, p.Gln34Arg (NM_001278463.2, NM_001278464.2, NM_001278465.2 and 3 more transcripts); c.-105A>G (NM_001278466.2); short protein forms Q34R.
Identifiers: ClinVar variation 3369768 (VCV003369768.2).

ClinVar aggregate classification (germline): Uncertain significance (1 of 4 stars; one submission).

Submission:

GeneDx
Classification: Uncertain significance. Last evaluated: 2026-04-15. Review status: criteria provided, single submitter. Criteria: GeneDx Variant Classification Process June 2021. Collection method: clinical testing. Allele origin: germline.
Comment: Has not been previously published as pathogenic or benign to our knowledge; Not observed at significant frequency in large population cohorts (gnomAD); In silico analysis supports that this missense variant has a deleterious effect on protein structure/function; In silico analysis suggests this variant may impact gene splicing. In the absence of RNA/functional studies, the actual effect of this sequence change is unknown